The following is an entry in ClinVar:

NM_005918.4(MDH2):c.916G>A (p.Gly306Ser)

Gene: MDH2 (malate dehydrogenase 2; plus strand). Cytogenetic location: 7q11.23.
Variant type: single nucleotide variant.
Coding change: c.916G>A on transcript NM_005918.4 (MANE Select); coding-DNA position 916, G replaced by A.
Protein change: p.Gly306Ser; replaces glycine 306 with serine.
Molecular consequence: missense variant.
Genome position (GRCh38, 1-based): chr7:76,066,309, G>A. VCF-style: chr7-76066309-G-A. GRCh37 (hg19) VCF-style: chr7-75695627-G-A.
Other names: c.790G>A, p.Gly264Ser (NM_001282403.2); c.595G>A, p.Gly199Ser (NM_001282404.2); short protein forms G306S, G199S, G264S.
Identifiers: ClinVar variation 547018 (VCV000547018.56), dbSNP rs373968974, ClinGen allele CA4305771.

ClinVar aggregate classification (germline): Likely benign. Review status: criteria provided, multiple submitters, no conflicts (2 of 4 stars). 5 submissions from 5 submitters: Likely benign (3). 2 of the submissions do not count toward it. Last evaluated 2026-05-01.

Allele frequency attached by ClinVar (database versions not stated): TOPMed 0.00009; gnomAD 0.00011 and 0.00026; ESP Exome Variant Server 0.00015; gnomAD exomes 0.00056; ExAC 0.00065; 1000 Genomes Project 30x 0.00094; 1000 Genomes Project 0.00100.
gnomAD v4.1: 480 of 1,609,938 alleles (0.03%); highest among the groups gnomAD compares: South Asian, 0.38%; 5 homozygotes.

Submissions (5):

CeGaT Center for Human Genetics Tuebingen
Classification: Likely benign. Last evaluated: 2026-05-01. Review status: criteria provided, single submitter. Criteria: CeGaT Center For Human Genetics Tuebingen Variant Classification Criteria Version 2. Collection method: clinical testing. Allele origin: germline. Affected: yes. Observed: 8 variant alleles.
Comment: MDH2: BS2

Labcorp Genetics (formerly Invitae), Labcorp
Classification: Likely benign. Last evaluated: 2026-01-19. Review status: criteria provided, single submitter. Criteria: Invitae Variant Classification Sherloc (09022015). Collection method: clinical testing. Allele origin: germline.

Blueprint Genetics
Classification: Likely benign. Last evaluated: 2024-11-26. Review status: criteria provided, single submitter. Criteria: ACMG Guidelines, 2015. Collection method: clinical testing. Allele origin: germline.

Joint Genome Diagnostic Labs from Nijmegen and Maastricht, Radboudumc and MUMC+
Classification: Likely benign. Review status: no assertion criteria provided. Collection method: clinical testing. Allele origin: germline. Affected: yes. Study: VKGL Data-share Consensus. Not counted in ClinVar's aggregate classification.

Laboratory of Diagnostic Genome Analysis, Leiden University Medical Center (LUMC)
Classification: Likely benign. Review status: no assertion criteria provided. Collection method: clinical testing. Allele origin: germline. Affected: yes. Study: VKGL Data-share Consensus. Not counted in ClinVar's aggregate classification.